The following is an entry in ClinVar:

ClinVar aggregate classification (germline): Uncertain significance (1 of 4 stars; one submission).

Submission:

Labcorp Genetics (formerly Invitae), Labcorp
Classification: Uncertain significance. Last evaluated: 2024-01-23. Review status: criteria provided, single submitter. Criteria: Invitae Variant Classification Sherloc (09022015). Collection method: clinical testing. Allele origin: germline.
Comment: This sequence change replaces aspartic acid, which is acidic and polar, with phenylalanine, which is neutral and non-polar, at codon 324 of the MMP14 protein (p.Asp324Phe). Information on the frequency of this variant in the gnomAD database is not available, as this variant may be reported differently in the database. This variant has not been reported in the literature in individuals affected with MMP14-related conditions. An algorithm developed to predict the effect of missense changes on protein structure and function (PolyPhen-2) suggests that this variant is likely to be disruptive. In summary, the available evidence is currently insufficient to determine the role of this variant in disease. Therefore, it has been classified as a Variant of Uncertain Significance.

NM_004995.4(MMP14):c.970_971delinsTT (p.Asp324Phe)

Gene: MMP14 (matrix metallopeptidase 14; plus strand). Cytogenetic location: 14q11.2.
Variant type: Indel.
Coding change: c.970_971delinsTT on transcript NM_004995.4 (MANE Select); coding-DNA positions 970 to 971, GA replaced by TT.
Protein change: p.Asp324Phe; replaces aspartic acid 324 with phenylalanine.
Molecular consequence: missense variant.
Genome position (GRCh38, 1-based): chr14:22,843,829-22,843,830, GA replaced by TT. VCF-style: chr14-22843829-GA-TT. GRCh37 (hg19) VCF-style: chr14-23313038-GA-TT.
Other names: short protein forms D324F.
Identifiers: ClinVar variation 2707396 (VCV002707396.3), dbSNP rs2502067564, ClinGen allele CA2697553829.